The following is an entry in ClinVar:

NM_014141.6(CNTNAP2):c.1526G>A (p.Ser509Asn)

Gene: CNTNAP2 (contactin associated protein 2; plus strand). Cytogenetic location: 7q35.
Variant type: single nucleotide variant.
Coding change: c.1526G>A on transcript NM_014141.6 (MANE Select); coding-DNA position 1526, G replaced by A.
Protein change: p.Ser509Asn; replaces serine 509 with asparagine.
Molecular consequence: missense variant.
Genome position (GRCh38, 1-based): chr7:147,395,636, G>A. VCF-style: chr7-147395636-G-A. GRCh37 (hg19) VCF-style: chr7-147092728-G-A.
Other names: short protein forms S509N.
Identifiers: ClinVar variation 193704 (VCV000193704.12), dbSNP rs794726999, ClinGen allele CA239306.
Genomic context (GRCh38, chr7:147,395,636, plus strand): 5'-CAGATTTACATTCCCATTTCTTCTGTTTCACAGGTTTTCTGAACCAGATGAATAACTCAA[G>A]TCACTCTGTCCTTCAGCCTTCATTCCAAGGATGCATGCAGCTCATTCAAGTGGACGATCA-3'
Protein context (NP_054860.1, residues 499-519): GGFLNQMNNS[Ser509Asn]HSVLQPSFQG

ClinVar aggregate classification (germline): Uncertain significance. Review status: criteria provided, multiple submitters, no conflicts (2 of 4 stars). 2 submissions from 2 submitters: Uncertain significance (2). Last evaluated 2023-04-24.

Conditions:
Cortical dysplasia-focal epilepsy syndrome (PTHSL1). Also called: Pitt-Hopkins-like syndrome 1. Identifiers: Orphanet 163681, Orphanet 221150, MedGen C2750246, MONDO:0012400, OMIM 610042.

Allele frequency attached by ClinVar (database versions not stated): gnomAD exomes below 0.00001 and 0.00001.
gnomAD v4.1: 5 of 1,612,224 alleles (0.00031%); highest among the groups gnomAD compares: South Asian, 0.0055%; no homozygotes.

Submissions (2):

Labcorp Genetics (formerly Invitae), Labcorp
Classification: Uncertain significance for Cortical dysplasia-focal epilepsy syndrome. Last evaluated: 2023-04-24. Review status: criteria provided, single submitter. Criteria: Invitae Variant Classification Sherloc (09022015). Collection method: clinical testing. Allele origin: germline.
Comment: In summary, the available evidence is currently insufficient to determine the role of this variant in disease. Therefore, it has been classified as a Variant of Uncertain Significance. This sequence change replaces serine, which is neutral and polar, with asparagine, which is neutral and polar, at codon 509 of the CNTNAP2 protein (p.Ser509Asn). This variant is present in population databases (rs794726999, gnomAD 0.006%). This variant has not been reported in the literature in individuals affected with CNTNAP2-related conditions. ClinVar contains an entry for this variant (Variation ID: 193704). An algorithm developed to predict the effect of missense changes on protein structure and function (PolyPhen-2) suggests that this variant is likely to be tolerated.

Eurofins Ntd Llc (ga)
Classification: Uncertain significance. Last evaluated: 2014-06-23. Review status: criteria provided, single submitter. Criteria: EGL Classification Definitions 2015. Collection method: clinical testing. Allele origin: germline. Observed: 1 variant allele, 1 heterozygote.